The following is an entry in ClinVar:

ClinVar aggregate classification (germline): Uncertain significance (1 of 4 stars; one submission).

Submission:

Labcorp Genetics (formerly Invitae), Labcorp
Classification: Uncertain significance. Last evaluated: 2024-10-22. Review status: criteria provided, single submitter. Criteria: Invitae Variant Classification Sherloc (09022015). Collection method: clinical testing. Allele origin: germline.
Comment: This variant, c.1319_1321del, results in the deletion of 1 amino acid(s) of the TUBB2A protein (p.Glu440del), but otherwise preserves the integrity of the reading frame. This variant is present in population databases (rs754289959, gnomAD 0.002%). This variant has not been reported in the literature in individuals affected with TUBB2A-related conditions. Experimental studies and prediction algorithms are not available or were not evaluated, and the functional significance of this variant is currently unknown. In summary, the available evidence is currently insufficient to determine the role of this variant in disease. Therefore, it has been classified as a Variant of Uncertain Significance.

NM_001069.3(TUBB2A):c.1310AGG[3] (p.Glu440del)

Gene: TUBB2A (tubulin beta 2A class IIa; minus strand). Cytogenetic location: 6p25.2.
Variant type: Microsatellite.
Coding change: c.1310AGG[3] on transcript NM_001069.3 (MANE Select); three copies in a row of the 3-base unit AGG starting at c.1310; the reference has four copies in a row; one copy, 3 bases deleted.
Protein change: p.Glu440del; deletes glutamic acid 440.
Molecular consequence: inframe deletion.
Genome position (GRCh38, 1-based): chr6:3,153,880-3,153,882, CCT deleted on the plus strand (AGG on the coding strand, the reverse complement: TUBB2A is on the minus strand); deleting any 3 consecutive bases within chr6:3,153,880-3,153,892 gives the same sequence; the position shown is the placement nearest the transcript's 3' end. VCF-style (leftmost placement, unchanged base first): chr6-3153879-CCCT-C. GRCh37 (hg19) VCF-style: chr6-3154113-CCCT-C.
Other names: c.1055AGG[3], p.Glu355del (NM_001310315.2); short protein forms E440del, E355del.
Identifiers: ClinVar variation 2723300 (VCV002723300.3), dbSNP rs754289959, ClinGen allele CA3618966.
Genomic context (GRCh38, chr6:3,153,879, plus strand): 5'-ACAACAGAAGTTCACTAAGGATGCACGATTGATCTGAGAAGTTTTTAAGCCTCGTCCTCG[CCCT>C]CCTCCTCCTCGAACTCCCCTTGTTCGTCGGCCGTGGCGTCCTGGTACTGCTGGTACTCGG-3'